The following is an entry in ClinVar:

ClinVar aggregate classification (germline): Pathogenic (1 of 4 stars; one submission).

Conditions:
Joubert syndrome. Also called: CEREBELLOPARENCHYMAL DISORDER IV; JOUBERT-BOLTSHAUSER SYNDROME; Familial aplasia of the vermis. Identifiers: Orphanet 475, MedGen C5979921, MONDO:0018772.
Meckel-Gruber syndrome. Also called: DYSENCEPHALIA SPLANCHNOCYSTICA; GRUBER SYNDROME; Dysencephalia splachnocystica. Identifiers: Orphanet 564, MedGen C0265215, MONDO:0018921.

Submission:

Labcorp Genetics (formerly Invitae), Labcorp
Classification: Pathogenic for Joubert syndrome; Meckel-Gruber syndrome. Last evaluated: 2023-09-21. Review status: criteria provided, single submitter. Criteria: Invitae Variant Classification Sherloc (09022015). Collection method: clinical testing. Allele origin: unknown.
Comment: This variant is a gross deletion of the genomic region encompassing exon(s) 3 of the MKS1 gene. This deletion is out-of-frame, and is expected to create a premature termination codon and result in an absent or disrupted protein product. Loss-of-function variants in MKS1 are known to be pathogenic (PMID: 19466712, 24886560, 26490104). This variant has not been reported in the literature in individuals affected with MKS1-related conditions. For these reasons, this variant has been classified as Pathogenic.

Literature cited by the submitters: PubMed 19466712; PubMed 24886560; PubMed 26490104.

NC_000017.10:g.(?_56293914)_(56294114_?)del

Gene: MKS1 (MKS transition zone complex subunit 1; minus strand). Cytogenetic location: 17q22.
Variant type: Deletion.
Identifiers: ClinVar variation 3242974 (VCV003242974.1).